The following is an entry in ClinVar:

ClinVar aggregate classification (germline): Uncertain significance. Review status: criteria provided, multiple submitters, no conflicts (2 of 4 stars). 2 submissions from 2 submitters: Uncertain significance (2). Last evaluated 2025-12-11.

Conditions:
Emery-Dreifuss muscular dystrophy (EDMD). Also called: Scapuloperoneal syndrome, X-linked (formerly); Humeroperoneal neuromuscular disease, (formerly). Identifiers: Orphanet 261, MedGen C0410189, MONDO:0016830.

Allele frequency attached by ClinVar (database versions not stated): gnomAD exomes 0.00003 and 0.00008; ExAC 0.00012; 1000 Genomes Project 0.00040; gnomAD 0.00041 and 0.00046; TOPMed 0.00045; 1000 Genomes Project 30x 0.00047; ESP Exome Variant Server 0.00048.
gnomAD v4.1: 109 of 1,614,186 alleles (0.0068%); highest among the groups gnomAD compares: African/African-American, 0.14%; no homozygotes.

Submissions (2):

Labcorp Genetics (formerly Invitae), Labcorp
Classification: Uncertain significance for Emery-Dreifuss muscular dystrophy. Last evaluated: 2025-12-11. Review status: criteria provided, single submitter. Criteria: Invitae Variant Classification Sherloc (09022015). Collection method: clinical testing. Allele origin: germline.
Comment: This sequence change replaces glycine, which is neutral and non-polar, with serine, which is neutral and polar, at codon 621 of the SUN1 protein (p.Gly621Ser). This variant is present in population databases (rs145337558, gnomAD 0.1%), and has an allele count higher than expected for a pathogenic variant. This variant has not been reported in the literature in individuals affected with SUN1-related conditions. ClinVar contains an entry for this variant (Variation ID: 530827). An algorithm developed to predict the effect of missense changes on protein structure and function (PolyPhen-2) suggests that this variant is likely to be disruptive. In summary, the available evidence is currently insufficient to determine the role of this variant in disease. Therefore, it has been classified as a Variant of Uncertain Significance.

Ambry Genetics
Classification: Uncertain significance. Last evaluated: 2024-07-21. Review status: criteria provided, single submitter. Criteria: Ambry Variant Classification Scheme 2023. Collection method: clinical testing. Allele origin: germline.

NM_001130965.3(SUN1):c.1861G>A (p.Gly621Ser)

Gene: SUN1 (Sad1 and UNC84 domain containing 1; plus strand). Cytogenetic location: 7p22.3.
Variant type: single nucleotide variant.
Coding change: c.1861G>A on transcript NM_001130965.3 (MANE Select); coding-DNA position 1861, G replaced by A.
Protein change: p.Gly621Ser; replaces glycine 621 with serine.
Molecular consequence: missense variant. On other transcripts: non-coding transcript variant (3).
Genome position (GRCh38, 1-based): chr7:861,461, G>A. VCF-style: chr7-861461-G-A. GRCh37 (hg19) VCF-style: chr7-901098-G-A.
Other names: c.1147G>A, p.Gly383Ser (NM_001367658.1); c.1678G>A, p.Gly560Ser (NM_001367660.1); c.1858G>A, p.Gly620Ser (NM_001367694.1, NM_001367665.1); c.1873G>A, p.Gly625Ser (NM_001367702.1, NM_001367704.1); c.2254G>A, p.Gly752Ser (NM_001367703.1, NM_001367705.1); c.1783G>A, p.Gly595Ser (NM_001367695.1); c.1939G>A, p.Gly647Ser (NM_001367696.1); c.2056G>A, p.Gly686Ser (NM_001367697.1, NM_001367693.1); and 43 more; short protein forms G621S, G565S, G610S, G635S, G648S, G664S, G687S, G724S.
Identifiers: ClinVar variation 530827 (VCV000530827.11), dbSNP rs145337558, ClinGen allele CA4112401.
Genomic context (GRCh38, chr7:861,461, plus strand): 5'-AGCGCCTTGAAGCTGTATTCCCAAGATAAGACCGGGATGGTGGACTTTGCTCTGGAATCT[G>A]GTGGTGAGTAAATAGACGTTCTGATTACTAAGTTAGATGATCACCTGTTAGCAGGGGTGT-3'
Protein context (NP_001124437.1, residues 611-631): TGMVDFALES[Gly621Ser]GGSILSTRCS